The following is an entry in ClinVar:

ClinVar aggregate classification (germline): Benign/Likely benign. Review status: criteria provided, multiple submitters, no conflicts (2 of 4 stars). 2 submissions from 2 submitters: Benign (1); Likely benign (1). Last evaluated 2024-07-16.

Allele frequency attached by ClinVar (database versions not stated): gnomAD 0.00001 and 0.00011; TOPMed 0.00004; ESP Exome Variant Server 0.00008; gnomAD exomes 0.00014 and 0.00037; ExAC 0.00057; 1000 Genomes Project 30x 0.00172; 1000 Genomes Project 0.00220.
gnomAD v4.1: 231 of 1,611,198 alleles (0.014%); highest among the groups gnomAD compares: South Asian, 0.2%; 3 homozygotes.

Submissions (2):

Labcorp Genetics (formerly Invitae), Labcorp
Classification: Benign. Last evaluated: 2024-07-16. Review status: criteria provided, single submitter. Criteria: Invitae Variant Classification Sherloc (09022015). Collection method: clinical testing. Allele origin: germline.

CeGaT Center for Human Genetics Tuebingen
Classification: Likely benign. Last evaluated: 2022-05-01. Review status: criteria provided, single submitter. Criteria: CeGaT Center For Human Genetics Tuebingen Variant Classification Criteria Version 2. Collection method: clinical testing. Allele origin: germline. Affected: yes. Observed: 1 variant allele.
Comment: PDE2A: BP4, BP7

NM_002599.5(PDE2A):c.1980C>T (p.His660=)

Gene: PDE2A (phosphodiesterase 2A; minus strand). Cytogenetic location: 11q13.4.
Variant type: single nucleotide variant.
Coding change: c.1980C>T on transcript NM_002599.5 (MANE Select); coding-DNA position 1980, C replaced by T.
Protein change: p.His660=; no amino-acid change (histidine 660 retained).
Molecular consequence: synonymous variant.
Genome position (GRCh38, 1-based): chr11:72,581,422, G>A on the plus strand (C>T on the coding strand, the complement: PDE2A is on the minus strand). VCF-style: chr11-72581422-G-A. GRCh37 (hg19) VCF-style: chr11-72292466-G-A.
Other names: c.1959C>T, p.His653= (NM_001143839.4); c.1953C>T, p.His651= (NM_001146209.3); c.1917C>T, p.His639= (NM_001243784.2).
Identifiers: ClinVar variation 1615142 (VCV001615142.32), dbSNP rs201782783, ClinGen allele CA6171983.
Genomic context (GRCh38, chr11:72,581,422, plus strand): 5'-GTAGTTGGTGAGCTCCAGGTTCTTGTAGAGCAGGTAGCAGAAGTGGGAGACAGAAAAGGC[G>A]TGCATCCAGTTGTGGTAGGGGGGATCCCGGTAGCCCTTCTTCACCATCAAACAGAACCTG-3'
Protein context (NP_002590.1, residues 650-670): YRDPPYHNWM[His660=]AFSVSHFCYL